The following is an entry in ClinVar:

NM_018979.4(WNK1):c.1191G>A (p.Glu397=)

Gene: WNK1 (WNK lysine deficient protein kinase 1; plus strand). Cytogenetic location: 12p13.33.
Variant type: single nucleotide variant.
Coding change: c.1191G>A on transcript NM_018979.4 (MANE Select); coding-DNA position 1191, G replaced by A.
Protein change: p.Glu397=; no amino-acid change (glutamic acid 397 retained).
Molecular consequence: synonymous variant.
Genome position (GRCh38, 1-based): chr12:830,040, G>A. VCF-style: chr12-830040-G-A. GRCh37 (hg19) VCF-style: chr12-939206-G-A.
Other names: c.1191G>A, p.Glu397= (NM_001184985.2, NM_014823.3, NM_213655.5).
Identifiers: ClinVar variation 4987504 (VCV004987504.1).
Genomic context (GRCh38, chr12:830,040, plus strand): 5'-CTGAATCGTTCTTTTAATTTAAGGTACCCCAGAGTTCATGGCCCCTGAGATGTATGAGGA[G>A]AAATATGATGAATCCGTTGACGTTTATGCTTTTGGGATGTGCATGCTTGAGATGGCTACA-3'
Protein context (NP_061852.3, residues 387-407): PEFMAPEMYE[Glu397=]KYDESVDVYA

ClinVar aggregate classification (germline): Likely benign (1 of 4 stars; one submission).

Conditions:
WNK1-related disorder. Also called: WNK1-related condition.

gnomAD v4.1: 33 of 1,612,088 alleles (0.002%); highest among the groups gnomAD compares: Non-Finnish European, 0.0027%; no homozygotes.

Submission:

PreventionGenetics, part of Exact Sciences
Classification: Likely benign for WNK1-related condition. Last evaluated: 2025-03-05. Review status: criteria provided, single submitter. Criteria: ACMG Guidelines, 2015. Collection method: clinical testing. Allele origin: germline.
Comment: This variant is classified as likely benign based on ACMG/AMP sequence variant interpretation guidelines (Richards et al. 2015 PMID: 25741868, with internal and published modifications).